The following is an entry in ClinVar:

NM_020937.4(FANCM):c.5449G>A (p.Gly1817Arg)

Gene: FANCM (FA complementation group M; plus strand). Cytogenetic location: 14q21.2.
Variant type: single nucleotide variant.
Coding change: c.5449G>A on transcript NM_020937.4 (MANE Select); coding-DNA position 5449, G replaced by A.
Protein change: p.Gly1817Arg; replaces glycine 1817 with arginine.
Molecular consequence: missense variant.
Genome position (GRCh38, 1-based): chr14:45,196,280, G>A. VCF-style: chr14-45196280-G-A. GRCh37 (hg19) VCF-style: chr14-45665483-G-A.
Other names: c.5371G>A, p.Gly1791Arg (NM_001308133.2); short protein forms G1791R, G1817R.
Identifiers: ClinVar variation 1981797 (VCV001981797.4), dbSNP rs1890051667, ClinGen allele CA389585878.

ClinVar aggregate classification (germline): Uncertain significance (1 of 4 stars; one submission).

Conditions:
Fanconi anemia (FA). Also called: Fanconi's anemia. Identifiers: Orphanet 84, MedGen C0015625, MeSH D005199, MONDO:0019391.

Submission:

Labcorp Genetics (formerly Invitae), Labcorp
Classification: Uncertain significance for Fanconi anemia. Last evaluated: 2024-01-02. Review status: criteria provided, single submitter. Criteria: Invitae Variant Classification Sherloc (09022015). Collection method: clinical testing. Allele origin: germline.
Comment: This sequence change replaces glycine, which is neutral and non-polar, with arginine, which is basic and polar, at codon 1817 of the FANCM protein (p.Gly1817Arg). This variant is not present in population databases (gnomAD no frequency). This variant has not been reported in the literature in individuals affected with FANCM-related conditions. ClinVar contains an entry for this variant (Variation ID: 1981797). Algorithms developed to predict the effect of missense changes on protein structure and function output the following: SIFT: "Not Available"; PolyPhen-2: "Benign"; Align-GVGD: "Not Available". The arginine amino acid residue is found in multiple mammalian species, which suggests that this missense change does not adversely affect protein function. In summary, the available evidence is currently insufficient to determine the role of this variant in disease. Therefore, it has been classified as a Variant of Uncertain Significance.